The following is an entry in ClinVar:

NM_001194.4(HCN2):c.2319G>A (p.Gly773=)

Gene: HCN2 (hyperpolarization activated cyclic nucleotide gated potassium and sodium channel 2; plus strand). Cytogenetic location: 19p13.3.
Variant type: single nucleotide variant.
Coding change: c.2319G>A on transcript NM_001194.4 (MANE Select); coding-DNA position 2319, G replaced by A.
Protein change: p.Gly773=; no amino-acid change (glycine 773 retained).
Molecular consequence: synonymous variant.
Genome position (GRCh38, 1-based): chr19:616,123, G>A. VCF-style: chr19-616123-G-A. GRCh37 (hg19) VCF-style: chr19-616123-G-A.
Identifiers: ClinVar variation 4823515 (VCV004823515.4).

ClinVar aggregate classification (germline): Likely benign (1 of 4 stars; one submission).

Submission:

CeGaT Center for Human Genetics Tuebingen
Classification: Likely benign. Last evaluated: 2026-03-01. Review status: criteria provided, single submitter. Criteria: CeGaT Center For Human Genetics Tuebingen Variant Classification Criteria Version 2. Collection method: clinical testing. Allele origin: germline. Affected: yes. Observed: 1 variant allele.
Comment: HCN2: PM2:Supporting, BP4, BP7